The following is an entry in ClinVar:

NM_001374828.1(ARID1B):c.4441dup (p.Tyr1481fs)

Gene: ARID1B (AT-rich interaction domain 1B; plus strand). Cytogenetic location: 6q25.3.
Variant type: Duplication.
Coding change: c.4441dup on transcript NM_001374828.1 (MANE Select); coding-DNA position 4441, one base duplicated (T; older notation c.4441dupT).
Protein change: p.Tyr1481fs; shifts the reading frame from tyrosine 1481.
Molecular consequence: frameshift variant.
Genome position (GRCh38, 1-based): chr6:157,198,869, T duplicated. VCF-style (leftmost placement, unchanged base first): chr6-157198868-G-GT. GRCh37 (hg19) VCF-style: chr6-157520002-G-GT.
Other names: c.4072dupT (NM_020732.3); c.1942dup, p.Tyr648fs (NM_001363725.2); c.4321dup, p.Tyr1441fs (NM_001371656.1, NM_001374820.1); c.4282dup, p.Tyr1428fs (NM_017519.3); short protein forms Y1441fs, Y1481fs, Y1428fs, Y648fs.
Identifiers: ClinVar variation 2541895 (VCV002541895.2), dbSNP rs2538640828, ClinGen allele CA2580615813.

ClinVar aggregate classification (germline): Pathogenic (1 of 4 stars; one submission).

Conditions:
Inborn genetic diseases. Identifiers: MedGen C0950123, MeSH D030342.

Submission:

Ambry Genetics
Classification: Pathogenic for Inborn genetic diseases. Last evaluated: 2023-06-08. Review status: criteria provided, single submitter. Criteria: Ambry Variant Classification Scheme 2023. Collection method: clinical testing. Allele origin: germline.
Comment: The c.4072dupT (p.Y1358Lfs*101) alteration, located in exon 17 (coding exon 17) of the ARID1B gene, consists of a duplication of T at position 4072, causing a translational frameshift with a predicted alternate stop codon after 101 amino acids. This alteration is expected to result in loss of function by premature protein truncation or nonsense-mediated mRNA decay. This variant was not reported in population-based cohorts in the Genome Aggregation Database (gnomAD). Based on the available evidence, this alteration is classified as pathogenic.